The following is an entry in ClinVar:

ClinVar aggregate classification (germline): Uncertain significance (1 of 4 stars; one submission).

Conditions:
Autosomal recessive ataxia, Beauce type. Also called: Spinocerebellar ataxia, autosomal recessive 8; ATAXIA, RECESSIVE, OF BEAUCE; SYNE1 Deficiency; SYNE1-Related Autosomal Recessive Cerebellar Ataxia. Identifiers: Orphanet 88644, MedGen C1853116, MONDO:0012549, OMIM 610743.

Allele frequency attached by ClinVar (database versions not stated): gnomAD exomes below 0.00001.
gnomAD v4.1: 4 of 1,614,050 alleles (0.00025%); highest among the groups gnomAD compares: Admixed American, 0.0017%; no homozygotes.

Submission:

Baylor Genetics
Classification: Uncertain significance for Autosomal recessive ataxia, Beauce type. Last evaluated: 2018-01-24. Review status: criteria provided, single submitter. Criteria: ACMG Guidelines, 2015. Collection method: clinical testing. Allele origin: maternal. Affected: yes.
Comment: This variant was determined to be of uncertain significance according to ACMG Guidelines, 2015 [PMID:25741868]. The SYNE1 gene has also been linked to intellectual disability, microcephaly, brain stem and cerebellum hypoplasia and delayed myelination in one report [PMID: 26539891]

Literature cited by the submitters: PubMed 26539891.

NM_182961.4(SYNE1):c.18409G>A (p.Val6137Met)

Gene: SYNE1 (spectrin repeat containing nuclear envelope protein 1; minus strand). Cytogenetic location: 6q25.2.
Variant type: single nucleotide variant.
Coding change: c.18409G>A on transcript NM_182961.4 (MANE Select); coding-DNA position 18409, G replaced by A.
Protein change: p.Val6137Met; replaces valine 6137 with methionine.
Molecular consequence: missense variant.
Genome position (GRCh38, 1-based): chr6:152,278,253, C>T on the plus strand (G>A on the coding strand, the complement: SYNE1 is on the minus strand). VCF-style: chr6-152278253-C-T. GRCh37 (hg19) VCF-style: chr6-152599388-C-T.
Other names: c.18196G>A, p.Val6066Met (NM_033071.5); short protein forms V6066M, V6137M.
Identifiers: ClinVar variation 1032997 (VCV001032997.1), dbSNP rs945540285, ClinGen allele CA366095055.